The following is an entry in ClinVar:

NM_001040108.2(MLH3):c.1133T>G (p.Leu378Arg)

Gene: MLH3 (mutL homolog 3; minus strand). Cytogenetic location: 14q24.3.
Variant type: single nucleotide variant.
Coding change: c.1133T>G on transcript NM_001040108.2 (MANE Select); coding-DNA position 1133, T replaced by G.
Protein change: p.Leu378Arg; replaces leucine 378 with arginine.
Molecular consequence: missense variant.
Genome position (GRCh38, 1-based): chr14:75,048,523, A>C on the plus strand (T>G on the coding strand, the complement: MLH3 is on the minus strand). VCF-style: chr14-75048523-A-C. GRCh37 (hg19) VCF-style: chr14-75515226-A-C.
Other names: c.1133T>G, p.Leu378Arg (NM_014381.3); short protein forms L378R.
Identifiers: ClinVar variation 3396696 (VCV003396696.1).

ClinVar aggregate classification (germline): Uncertain significance (1 of 4 stars; one submission).

Submission:

Ambry Genetics
Classification: Uncertain significance. Last evaluated: 2024-08-24. Review status: criteria provided, single submitter. Criteria: Ambry Variant Classification Scheme 2023. Collection method: clinical testing. Allele origin: germline.
Comment: The p.L378R variant (also known as c.1133T>G), located in coding exon 1 of the MLH3 gene, results from a T to G substitution at nucleotide position 1133. The leucine at codon 378 is replaced by arginine, an amino acid with dissimilar properties. This amino acid position is conserved. In addition, the in silico prediction for this alteration is inconclusive. Based on the available evidence, the clinical significance of this variant remains unclear.